The following is an entry in ClinVar:

ClinVar aggregate classification (germline): Pathogenic (1 of 4 stars; one submission).

Submission:

Labcorp Genetics (formerly Invitae), Labcorp
Classification: Pathogenic. Last evaluated: 2020-10-06. Review status: criteria provided, single submitter. Criteria: Invitae Variant Classification Sherloc (09022015). Collection method: clinical testing. Allele origin: germline.
Comment: A gross deletion of the genomic region encompassing the full coding sequence of the GALNT3 gene has been identified. The boundaries of this event are unknown as the deletion extends beyond the assayed region for this gene and therefore may encompass additional genes. This variant has not been reported in the literature in individuals with GALNT3-related conditions. Loss-of-function variants in GALNT3 are known to be pathogenic (PMID: 15133511, 20358599). For these reasons, this variant has been classified as Pathogenic.

Literature cited by the submitters: PubMed 15133511; PubMed 20358599.

NC_000002.11:g.(?_166605291)_(167168266_?)del

Genes: GALNT3 (polypeptide N-acetylgalactosaminyltransferase 3; minus strand), SCN1A (sodium voltage-gated channel alpha subunit 1; minus strand), SCN9A (sodium voltage-gated channel alpha subunit 9; minus strand), TTC21B (tetratricopeptide repeat domain 21B; minus strand). Cytogenetic location: 2q24.3.
Variant type: Deletion.
Identifiers: ClinVar variation 1075230 (VCV001075230.1).